The following is an entry in ClinVar:

ClinVar aggregate classification (germline): Pathogenic. Review status: criteria provided, multiple submitters, no conflicts (2 of 4 stars). 3 submissions from 3 submitters: Pathogenic (3). Last evaluated 2026-05-20.

Conditions:
Hereditary cancer-predisposing syndrome. Also called: Tumor predisposition; Hereditary neoplastic syndrome; Neoplastic Syndromes, Hereditary; Hereditary Cancer Syndrome. Identifiers: Orphanet 140162, MedGen C0027672, MeSH D009386, MONDO:0015356.
Familial adenomatous polyposis 4 (FAP4). Also called: MSH3-related attenuated familial adenomatous polyposis. Identifiers: Orphanet 480536, MedGen C4310719, MONDO:0044300, OMIM 617100.

Allele frequency attached by ClinVar (database versions not stated): gnomAD 0.00002; TOPMed 0.00002; gnomAD exomes below 0.00001.

Submissions (3):

Ambry Genetics
Classification: Pathogenic for Hereditary cancer-predisposing syndrome. Last evaluated: 2026-05-20. Review status: criteria provided, single submitter. Criteria: Ambry Variant Classification Scheme 2023. Collection method: clinical testing. Allele origin: germline.
Comment: The c.1890delC pathogenic mutation, located in coding exon 13 of the MSH3 gene, results from a deletion of one nucleotide at nucleotide position 1890, causing a translational frameshift with a predicted alternate stop codon (p.H630Qfs*11). This variant is considered to be rare based on population cohorts in the Genome Aggregation Database (gnomAD). This variant is expected to result in loss of function by premature protein truncation or nonsense-mediated mRNA decay. As such, this variant is interpreted as a disease-causing mutation.

Labcorp Genetics (formerly Invitae), Labcorp
Classification: Pathogenic. Last evaluated: 2024-11-25. Review status: criteria provided, single submitter. Criteria: Invitae Variant Classification Sherloc (09022015). Collection method: clinical testing. Allele origin: germline.
Comment: This sequence change creates a premature translational stop signal (p.His630Glnfs*11) in the MSH3 gene. It is expected to result in an absent or disrupted protein product. Loss-of-function variants in MSH3 are known to be pathogenic (PMID: 27476653, 37402566). This variant is present in population databases (no rsID available, gnomAD 0.0009%). This variant has not been reported in the literature in individuals affected with MSH3-related conditions. ClinVar contains an entry for this variant (Variation ID: 2673555). For these reasons, this variant has been classified as Pathogenic.

Myriad Genetics, Inc.
Classification: Pathogenic for Familial adenomatous polyposis 4. Last evaluated: 2023-08-30. Review status: criteria provided, single submitter. Criteria: Myriad Autosomal Dominant, Autosomal Recessive and X-Linked Classification Criteria (2023). Collection method: clinical testing. Allele origin: unknown.
Comment: This variant is considered pathogenic. This variant creates a frameshift predicted to result in premature protein truncation.

Literature cited by the submitters: PubMed 27476653 (cited by Labcorp Genetics (formerly Invitae), Labcorp); PubMed 37402566 (cited by Labcorp Genetics (formerly Invitae), Labcorp).

NM_002439.5(MSH3):c.1890del (p.His630fs)

Gene: MSH3 (mutS homolog 3; plus strand). Cytogenetic location: 5q14.1.
Variant type: Deletion.
Coding change: c.1890del on transcript NM_002439.5 (MANE Select); coding-DNA position 1890, one base deleted (C; older notation c.1890delC).
Protein change: p.His630fs; shifts the reading frame from histidine 630.
Molecular consequence: frameshift variant.
Genome position (GRCh38, 1-based): chr5:80,761,672, C deleted. VCF-style (leftmost placement, unchanged base first): chr5-80761671-AC-A. GRCh37 (hg19) VCF-style: chr5-80057490-AC-A.
Other names: c.1890delC (NM_002439.3); short protein forms H630fs.
Identifiers: ClinVar variation 2673555 (VCV002673555.5), dbSNP rs976940687, ClinGen allele CA121314745.